The following is an entry in ClinVar:

ClinVar aggregate classification (germline): Likely benign (1 of 4 stars; one submission).

Conditions:
Tuberous sclerosis 2 (TSC2). Identifiers: Orphanet 805, MedGen C1860707, MONDO:0013199, OMIM 613254.

Submission:

Myriad Genetics, Inc.
Classification: Likely benign for Tuberous sclerosis 2. Last evaluated: 2025-05-02. Review status: criteria provided, single submitter. Criteria: Myriad Autosomal Dominant, Autosomal Recessive and X-Linked Classification Criteria (2023). Collection method: clinical testing. Allele origin: unknown.
Comment: This variant is considered likely benign. This variant is intronic and is not expected to impact mRNA splicing.

NM_000548.5(TSC2):c.226-19T>C

Gene: TSC2 (TSC complex subunit 2; plus strand). Cytogenetic location: 16p13.3.
Variant type: single nucleotide variant.
Coding change: c.226-19T>C on transcript NM_000548.5 (MANE Select); 19 bases into the intron before coding-DNA position 226, T replaced by C.
Molecular consequence: intron variant.
Genome position (GRCh38, 1-based): chr16:2,053,323, T>C. VCF-style: chr16-2053323-T-C. GRCh37 (hg19) VCF-style: chr16-2103324-T-C.
Other names: c.226-19T>C (NM_001406663.1, NM_001406664.1, NM_021055.3 and 10 more transcripts); c.-1194-19T>C (NM_001406696.1); c.-1087-19T>C (NM_001406694.1, NM_001406695.1); c.79-19T>C (NM_001406679.1, NM_001406677.1, NM_001406675.1 and 2 more transcripts); c.-2+2837T>C (NM_001406686.1, NM_001406682.1, NM_001406684.1 and 3 more transcripts); c.259-19T>C (NM_001318832.2); c.-220-19T>C (NM_001406681.1); c.226-973T>C (NM_001406670.1, NM_001318827.2, NM_001406678.1); and 4 more.
Identifiers: ClinVar variation 4071033 (VCV004071033.1).
Genomic context (GRCh38, chr16:2,053,323, plus strand): 5'-CTCACGGCACTGCTCCAGTTGCCGGGGCCAGGGTTCTTGGAGAGCACATCCTCACCGCTG[T>C]CCCCTCTGCTGGTGACAGCACGCAGTGGAAGCACTCTGGAAGGCGGTCGCGGATCTGTTG-3'